The following is an entry in ClinVar:

NM_000059.4(BRCA2):c.9986A>G (p.Asn3329Ser)

Gene: BRCA2 (BRCA2 DNA repair associated; plus strand). Cytogenetic location: 13q13.1.
Variant type: single nucleotide variant.
Coding change: c.9986A>G on transcript NM_000059.4 (MANE Select); coding-DNA position 9986, A replaced by G.
Protein change: p.Asn3329Ser; replaces asparagine 3329 with serine.
Molecular consequence: missense variant.
Genome position (GRCh38, 1-based): chr13:32,398,499, A>G. VCF-style: chr13-32398499-A-G. GRCh37 (hg19) VCF-style: chr13-32972636-A-G.
Other names: short protein forms N3329S.
Identifiers: ClinVar variation 141780 (VCV000141780.39), dbSNP rs76635144, ClinGen allele CA026352.

ClinVar aggregate classification (germline): Conflicting classifications of pathogenicity. Review status: criteria provided, conflicting classifications (1 of 4 stars). 12 submissions from 12 submitters: Uncertain significance (3); Benign (1); Likely benign (6). 2 of the submissions do not count toward it. Last evaluated 2026-05-01.

Conditions:
BRCA2-related disorder. Also called: BRCA2-related condition; BRCA2-related disorders. Identifiers: MedGen CN239275.
BRCA2-related cancer predisposition. Identifiers: MedGen CN377758, MONDO:0700269.
Hereditary cancer-predisposing syndrome. Also called: Hereditary neoplastic syndrome; Hereditary Cancer Syndrome; Neoplastic Syndromes, Hereditary; Tumor predisposition. Identifiers: Orphanet 140162, MedGen C0027672, MeSH D009386, MONDO:0015356.
Hereditary breast ovarian cancer syndrome. Also called: Hereditary breast and/or ovarian cancer syndrome; Hereditary breast and ovarian cancer syndrome (HBOC); Breast and ovarian cancer; Hereditary breast and ovarian cancer syndrome; BRCA1- and BRCA2-Associated Hereditary Breast and Ovarian Cancer; Hereditary breast and ovarian cancer. Identifiers: Orphanet 145, MedGen C0677776, MeSH D061325, MONDO:0003582. Disease mechanism: loss of function.
Breast-ovarian cancer, familial, susceptibility to, 2 (BROVCA2). Also called: BRCA2 Hereditary Breast and Ovarian Cancer. Identifiers: Orphanet 145, MedGen C2675520, MONDO:0012933, OMIM 612555. Disease mechanism: loss of function.

Allele frequency attached by ClinVar (database versions not stated): gnomAD 0.00002; gnomAD exomes 0.00003 and 0.00002; TOPMed 0.00003.
gnomAD v4.1: 45 of 1,614,046 alleles (0.0028%); highest among the groups gnomAD compares: African/African-American, 0.0053%; no homozygotes.

Submissions (12):

Women's Health and Genetics/Laboratory Corporation of America, LabCorp
Classification: Likely benign. Last evaluated: 2026-05-01. Review status: criteria provided, single submitter. Criteria: LabCorp Variant Classification Summary - May 2015. Collection method: clinical testing. Allele origin: germline.
Comment: Variant summary: BRCA2 c.9986A>G (p.Asn3329Ser) results in a conservative amino acid change in the encoded protein sequence. Five of five in-silico tools predict a benign effect of the variant on protein function. The variant allele was found at a frequency of 2.4e-05 in 250776 control chromosomes. The available data on variant occurrences in the general population are insufficient to allow any conclusion about variant significance. This variant has been observed in at-least one woman in a database of women who are cancer free and older than age 70 (FLOSSIES database). c.9986A>G has been reported in the literature in at-least one individual affected with prostate cancer (example, Kote-Jarai_2011), one individual affected with breast cancer (example, Guindalini_2022) and as a VUS in one family undergoing testing for the BRCA1/2 genes (example, Zuntini_2018). However, these report(s) do not provide unequivocal conclusions about association of the variant with Hereditary Breast and Ovarian Cancer. At-least one co-occurrence with another pathogenic variant has been reported at our laboratory (BRCA2 c.1755_1759delGAAAA, p.Lys585fsX3), providing supporting evidence for a benign role. To our knowledge, no experimental evidence demonstrating an impact on protein function has been reported. The following publications have been ascertained in the context of this evaluation (PMID: 21952622, 30254663, 35264596). ClinVar contains an entry for this variant (Variation ID: 141780). Based on the evidence outlined above, the variant was classified as likely benign.

Labcorp Genetics (formerly Invitae), Labcorp
Classification: Likely benign for Hereditary breast ovarian cancer syndrome. Last evaluated: 2026-02-03. Review status: criteria provided, single submitter. Criteria: Invitae Variant Classification Sherloc (09022015). Collection method: clinical testing. Allele origin: germline.

Quest Diagnostics Nichols Institute San Juan Capistrano
Classification: Uncertain significance. Last evaluated: 2024-08-22. Review status: criteria provided, single submitter. Criteria: Quest Diagnostics criteria. Collection method: clinical testing. Allele origin: unknown.
Comment: The BRCA2 c.9986A>G (p.Asn3329Ser) variant has been reported in the published literature in individuals affected with breast cancer (PMID: 35264596 (2022)), ovarian cancer (PMID: 34157791 (2021)), prostate cancer (PMID: 21952622 (2011)), and esophageal squamous cell carcinoma (PMID: 31396961 (2020)). This variant has also been reported in reportedly healthy individuals (PMID: 32467295 (2020), 33471991 (2021), see also LOVD). The frequency of this variant in the general population, 0.000024 (6/250776 chromosomes (Genome Aggregation Database)), is uninformative in the assessment of its pathogenicity. Analysis of this variant using bioinformatics tools for the prediction of the effect of amino acid changes on protein structure and function yielded predictions that this variant is benign. Based on the available information, we are unable to determine the clinical significance of this variant.

All of Us Research Program, National Institutes of Health
Classification: Likely benign for BRCA2-related cancer predisposition. Last evaluated: 2024-08-07. Review status: criteria provided, single submitter. Criteria: ACMG Guidelines, 2015. Collection method: clinical testing. Allele origin: germline. Inheritance: Autosomal dominant inheritance. Observed: 5 variant alleles, 5 heterozygotes.
Comment: This study involves interpretation of variants in research participants for the purpose of population health screening. Participant phenotype was not available at the time of variant classification. Additional details can be found in publication PMID: 35346344, PMCID: PMC8962531

Mendelics
Classification: Benign for Breast-ovarian cancer, familial, susceptibility to, 2. Last evaluated: 2023-08-22. Review status: criteria provided, single submitter. Criteria: Mendelics Assertion Criteria 2019. Collection method: clinical testing. Allele origin: germline.

Sema4
Classification: Uncertain significance for Hereditary cancer-predisposing syndrome. Last evaluated: 2021-09-18. Review status: criteria provided, single submitter. Criteria: Sema4 Curation Guidelines. Collection method: curation. Allele origin: germline.
Comment: The BRCA2 c.9986A>G (p.N3329S) variant has been reported in several individuals with a personal and/or family history of breast, ovarian, or prostate cancer (PMID: 21952622, 30254663, 34157791). It has also been reported in healthy individuals (PMID: 33471991, 32467295). It was observed in 2/30596 chromosomes of the South Asian subpopulation in the large and broad cohorts of the Genome Aggregation Database (PMID: 32461654). The variant has been reported in ClinVar (Variation ID: 141780). In silico tools suggest the impact of the variant on protein function is benign, though these predictions have not been confirmed by functional studies. The evidence is insufficient to meet ACMG/AMP criteria for classifying the variant as benign or pathogenic. Thus, the clinical significance of this variant is currently uncertain.

GeneDx
Classification: Likely benign. Last evaluated: 2021-06-06. Review status: criteria provided, single submitter. Criteria: GeneDx Variant Classification Process June 2021. Collection method: clinical testing. Allele origin: germline. Affected: yes.
Comment: This variant is associated with the following publications: (PMID: 21952622)

ARUP Laboratories, Molecular Genetics and Genomics, ARUP Laboratories
Classification: Uncertain significance. Last evaluated: 2020-06-08. Review status: criteria provided, single submitter. Criteria: ARUP Molecular Germline Variant Investigation Process. Collection method: clinical testing. Allele origin: germline.
Comment: The BRCA2 c.9986A>G; p.Asn3329Ser variant (rs76635144) is reported in the literature in a family affected with breast or ovarian cancer, but without clear evidence for disease association (Zuntini 2018). This variant is reported in ClinVar (Variation ID: 141780), and is only observed on six alleles in the Genome Aggregation Database, indicating it is not a common polymorphism. The asparagine at codon 3329 is weakly conserved, and computational analyses (SIFT, PolyPhen-2) predict that this variant is tolerated. Due to limited information, the clinical significance of the p.Asn3329Ser variant is uncertain at this time. References: Zuntini R et al. Dealing With BRCA1/2 Unclassified Variants in a Cancer Genetics Clinic: Does Cosegregation Analysis Help?. Front Genet. 2018;9:378.

Ambry Genetics
Classification: Likely benign for Hereditary cancer-predisposing syndrome. Last evaluated: 2018-11-30. Review status: criteria provided, single submitter. Criteria: Ambry Variant Classification Scheme 2023. Collection method: clinical testing. Allele origin: germline.

Color Diagnostics, LLC DBA Color Health
Classification: Likely benign for Hereditary cancer-predisposing syndrome. Last evaluated: 2015-12-08. Review status: criteria provided, single submitter. Criteria: ACMG Guidelines, 2015. Collection method: clinical testing. Allele origin: germline.

PreventionGenetics, part of Exact Sciences
Classification: Uncertain significance for BRCA2-related condition. Last evaluated: 2024-07-22. Review status: no assertion criteria provided. Collection method: clinical testing. Allele origin: germline. Not counted in ClinVar's aggregate classification.
Comment: The BRCA2 c.9986A>G variant is predicted to result in the amino acid substitution p.Asn3329Ser. This variant has been reported in an individual with breast cancer (Guindalini et al. 2022. PubMed ID: 35264596), in an individual with biliary tract cancer (Okawa et al. 2022. PubMed ID: 36243179), and in an individual with prostate cancer (Kote-Jarai et al. 2011. PubMed ID: 21952622). This variant is not predicted to alter splicing based on available splicing prediction programs (Alamut Visual v1.6.1). However, the use of computer prediction programs is not equivalent to functional evidence. In addition, this variant has been reported in two individuals in healthy control cohorts (Breast Cancer Association Consortium et al. 2021. PubMed ID: 33471991; Dong et al. 2020. PubMed ID: 32467295). This variant is reported in 0.0065% of alleles in individuals of South Asian descent in gnomAD. It has conflicting classifications listed in ClinVar ranging from benign to uncertain significance. Although this variant may be suspected benign, the clinical significance of this variant is uncertain due to the absence of conclusive functional and genetic evidence.

Department of Medical and Surgical Sciences, University of Bologna
Classification: Likely benign for Breast-ovarian cancer, familial, susceptibility to, 2. Last evaluated: 2023-09-01. Review status: no assertion criteria provided. Collection method: clinical testing. Allele origin: germline. Affected: yes. Not counted in ClinVar's aggregate classification.
Comment: BP1(Strong) according to ACMG/AMP classification guidelines specified for BRCA1 & BRCA2 (Classification Criteria V1.0.0 2023-09-08) (PMID: 38160042)

Literature cited by the submitters: PubMed 21952622 (cited by 3 submitters); PubMed 30254663 (cited by 4 submitters); PubMed 35264596 (cited by Women's Health and Genetics/Laboratory Corporation of America, LabCorp and Quest Diagnostics Nichols Institute San Juan Capistrano); PubMed 33471991 (cited by Quest Diagnostics Nichols Institute San Juan Capistrano and Sema4); PubMed 32467295 (cited by Quest Diagnostics Nichols Institute San Juan Capistrano and Sema4); PubMed 31396961 (cited by Quest Diagnostics Nichols Institute San Juan Capistrano); PubMed 35150867 (cited by Quest Diagnostics Nichols Institute San Juan Capistrano); PubMed 34157791 (cited by Quest Diagnostics Nichols Institute San Juan Capistrano and Sema4).